The following is an entry in ClinVar:

ClinVar aggregate classification (germline): Conflicting classifications of pathogenicity. Review status: criteria provided, conflicting classifications (1 of 4 stars). 3 submissions from 3 submitters: Uncertain significance (2); Likely benign (1). Last evaluated 2026-03-04.

Conditions:
Familial thoracic aortic aneurysm and aortic dissection (TAAD). Also called: Thoracic aortic aneurysms and dissections. Identifiers: Orphanet 91387, MedGen C4707243, MONDO:0019625.

Submissions (3):

GeneDx
Classification: Uncertain significance. Last evaluated: 2026-03-04. Review status: criteria provided, single submitter. Criteria: GeneDx Variant Classification Process June 2021. Collection method: clinical testing. Allele origin: germline.
Comment: Not observed at significant frequency in large population cohorts (gnomAD); In silico analysis suggests that this variant does not alter protein structure/function; Has not been previously published as pathogenic or benign to our knowledge

Women's Health and Genetics/Laboratory Corporation of America, LabCorp
Classification: Uncertain significance. Last evaluated: 2025-05-02. Review status: criteria provided, single submitter. Criteria: LabCorp Variant Classification Summary - May 2015. Collection method: clinical testing. Allele origin: germline.
Comment: Variant summary: PLOD1 c.832_834delinsCAA (p.Lys278Gln) results in a conservative amino acid change in the encoded protein sequence. Algorithms developed to predict the effect of missense changes on protein structure and function all suggest that this variant is likely to be tolerated. The frequency of this variant in the general population could not be determined as the technology used for large population databases (ExAC, gnomAD, ESP, 1000G) cannot detect variants of this type. The available data on variant occurrences in the general population are insufficient to allow any conclusion about variant significance. To our knowledge, no occurrence of c.832_834delinsCAA in individuals affected with Ehlers-Danlos Syndrome Type VI and no experimental evidence demonstrating its impact on protein function have been reported. No submitters have cited clinical-significance assessments for this variant to ClinVar. Based on the evidence outlined above, the variant was classified as uncertain significance.

Ambry Genetics
Classification: Likely benign for Familial thoracic aortic aneurysm and aortic dissection. Last evaluated: 2025-03-29. Review status: criteria provided, single submitter. Criteria: Ambry Variant Classification Scheme 2023. Collection method: clinical testing. Allele origin: germline.

NM_000302.4(PLOD1):c.832_834delinsCAA (p.Lys278Gln)

Gene: PLOD1 (procollagen-lysine,2-oxoglutarate 5-dioxygenase 1; plus strand). Cytogenetic location: 1p36.22.
Variant type: Indel.
Coding change: c.832_834delinsCAA on transcript NM_000302.4 (MANE Select); coding-DNA positions 832 to 834, AAG replaced by CAA.
Protein change: p.Lys278Gln; replaces lysine 278 with glutamine.
Molecular consequence: missense variant.
Genome position (GRCh38, 1-based): chr1:11,957,932-11,957,934, AAG replaced by CAA. VCF-style: chr1-11957932-AAG-CAA. GRCh37 (hg19) VCF-style: chr1-12017989-AAG-CAA.
Other names: c.973_975delinsCAA, p.Lys325Gln (NM_001316320.2); c.832_834delAAGinsCAA (NM_000302.3); c.832_834delinsCAA (NM_000302.3); short protein forms K278Q, K325Q.
Identifiers: ClinVar variation 3902576 (VCV003902576.3).